The following is an entry in ClinVar:

NM_003384.3(VRK1):c.1124G>A (p.Trp375Ter)

Gene: VRK1 (VRK serine/threonine kinase 1; plus strand). Cytogenetic location: 14q32.2.
Variant type: single nucleotide variant.
Coding change: c.1124G>A on transcript NM_003384.3 (MANE Select); coding-DNA position 1124, G replaced by A.
Protein change: p.Trp375Ter; replaces tryptophan 375 with a stop codon.
Molecular consequence: nonsense.
Genome position (GRCh38, 1-based): chr14:96,876,085, G>A. VCF-style: chr14-96876085-G-A. GRCh37 (hg19) VCF-style: chr14-97342422-G-A.
Other names: short protein forms W375*.
Identifiers: ClinVar variation 1453431 (VCV001453431.12), dbSNP rs184887106, ClinGen allele CA266092641.

ClinVar aggregate classification (germline): Pathogenic/Likely pathogenic. Review status: criteria provided, multiple submitters, no conflicts (2 of 4 stars). 4 submissions from 4 submitters: Pathogenic (2); Likely pathogenic (1). 1 of the submissions does not count toward it. Last evaluated 2024-05-15.

Conditions:
Pontocerebellar hypoplasia type 1A (PCH1A). Also called: PONTOCEREBELLAR HYPOPLASIA WITH ANTERIOR HORN CELL DISEASE; PONTOCEREBELLAR HYPOPLASIA WITH INFANTILE SPINAL MUSCULAR ATROPHY. Identifiers: Orphanet 2254, Orphanet 88616, MedGen C1843504, MONDO:0011866, OMIM 607596.
Neuronopathy, distal hereditary motor, autosomal recessive 10 (HMNR10). Also called: NEUROPATHY, DISTAL HEREDITARY MOTOR, AUTOSOMAL RECESSIVE 10; VRK1-RELATED MOTOR NEURON DISEASE. Identifiers: MedGen C5882703, MONDO:0957876, OMIM 620542.

Allele frequency attached by ClinVar (database versions not stated): gnomAD exomes below 0.00001 and 0.00002; gnomAD 0.00001; TOPMed 0.00001; 1000 Genomes Project 0.00020; 1000 Genomes Project 30x 0.00031.
gnomAD v4.1: 4 of 1,613,574 alleles (0.00025%); highest among the groups gnomAD compares: East Asian, 0.0067%; no homozygotes.

Submissions (4):

Fulgent Genetics
Classification: Likely pathogenic for Pontocerebellar hypoplasia type 1A; Neuronopathy, distal hereditary motor, autosomal recessive 10. Last evaluated: 2024-05-15. Review status: criteria provided, single submitter. Criteria: ACMG Guidelines, 2015. Collection method: clinical testing. Allele origin: germline.

Labcorp Genetics (formerly Invitae), Labcorp
Classification: Pathogenic for Pontocerebellar hypoplasia type 1A. Last evaluated: 2024-02-25. Review status: criteria provided, single submitter. Criteria: Invitae Variant Classification Sherloc (09022015). Collection method: clinical testing. Allele origin: germline.
Comment: This sequence change creates a premature translational stop signal (p.Trp375*) in the VRK1 gene. While this is not anticipated to result in nonsense mediated decay, it is expected to disrupt the last 22 amino acid(s) of the VRK1 protein. This variant is present in population databases (rs184887106, gnomAD 0.02%). This premature translational stop signal has been observed in individual(s) with distal hereditary motor neuropathy (PMID: 30617279, 30847374, 32298515). In at least one individual the data is consistent with being in trans (on the opposite chromosome) from a pathogenic variant. ClinVar contains an entry for this variant (Variation ID: 1453431). For these reasons, this variant has been classified as Pathogenic.

Juno Genomics, Hangzhou Juno Genomics, Inc
Classification: Pathogenic for Neuronopathy, distal hereditary motor, autosomal recessive 10; Pontocerebellar hypoplasia type 1A. Review status: criteria provided, single submitter. Criteria: ACMG Guidelines, 2015. Collection method: clinical testing. Allele origin: germline. Affected: yes.
Comment: Absent from controls (or at extremely low frequency if recessive) in Genome Aggregation Database, Exome Sequencing Project, 1000 Genomes Project, or Exome Aggregation Consortium.;Null variant in a gene where loss of function (LOF) is a known mechanism of disease.;For recessive disorders, detected in trans with a pathogenic variant.;Patient's phenotype or family history is highly specific for a disease with a single genetic etiology.;Co-segregation with disease in multiple affected family members in a gene definitively known to cause the disease.

OMIM
Classification: Pathogenic for NEURONOPATHY, DISTAL HEREDITARY MOTOR, AUTOSOMAL RECESSIVE 10. Last evaluated: 2023-10-24. Review status: no assertion criteria provided. Collection method: literature only. Allele origin: germline. Not counted in ClinVar's aggregate classification.

Literature cited by the submitters: PubMed 30617279 (cited by Labcorp Genetics (formerly Invitae), Labcorp); PubMed 30847374 (cited by Labcorp Genetics (formerly Invitae), Labcorp and OMIM); PubMed 32298515 (cited by Labcorp Genetics (formerly Invitae), Labcorp).